The following is an entry in ClinVar:

ClinVar aggregate classification (germline): Uncertain significance (1 of 4 stars; one submission).

Allele frequency attached by ClinVar (database versions not stated): gnomAD exomes below 0.00001 and 0.00001; gnomAD 0.00001; TOPMed 0.00002.
gnomAD v4.1: 6 of 1,614,038 alleles (0.00037%); highest among the groups gnomAD compares: Non-Finnish European, 0.00051%; no homozygotes.

Submission:

Labcorp Genetics (formerly Invitae), Labcorp
Classification: Uncertain significance. Last evaluated: 2023-08-08. Review status: criteria provided, single submitter. Criteria: Invitae Variant Classification Sherloc (09022015). Collection method: clinical testing. Allele origin: germline.
Comment: In summary, the available evidence is currently insufficient to determine the role of this variant in disease. Therefore, it has been classified as a Variant of Uncertain Significance. An algorithm developed to predict the effect of missense changes on protein structure and function (PolyPhen-2) suggests that this variant is likely to be tolerated. ClinVar contains an entry for this variant (Variation ID: 1359150). This variant has not been reported in the literature in individuals affected with ERBIN-related conditions. This variant is present in population databases (no rsID available, gnomAD 0.003%). This sequence change replaces leucine, which is neutral and non-polar, with valine, which is neutral and non-polar, at codon 1009 of the ERBIN protein (p.Leu1009Val).

NM_001253697.2(ERBIN):c.3025C>G (p.Leu1009Val)

Gene: ERBIN (erbb2 interacting protein; plus strand). Cytogenetic location: 5q12.3.
Variant type: single nucleotide variant.
Coding change: c.3025C>G on transcript NM_001253697.2 (MANE Select); coding-DNA position 3025, C replaced by G.
Protein change: p.Leu1009Val; replaces leucine 1009 with valine.
Molecular consequence: missense variant.
Genome position (GRCh38, 1-based): chr5:66,054,343, C>G. VCF-style: chr5-66054343-C-G. GRCh37 (hg19) VCF-style: chr5-65350171-C-G.
Other names: c.3025C>G, p.Leu1009Val (NM_001006600.3, NM_001253698.2, NM_001253699.2 and 1 more transcripts); c.3013C>G, p.Leu1005Val (NM_001253701.2); short protein forms L1009V, L1005V.
Identifiers: ClinVar variation 1359150 (VCV001359150.8), dbSNP rs1269019355, ClinGen allele CA359868525.